The following is an entry in ClinVar:

ClinVar aggregate classification (germline): Uncertain significance (1 of 4 stars; one submission).

Allele frequency attached by ClinVar (database versions not stated): gnomAD 0.00001; gnomAD exomes 0.00001.
gnomAD v4.1: 21 of 1,609,434 alleles (0.0013%); highest among the groups gnomAD compares: Non-Finnish European, 0.0018%; no homozygotes.

Submission:

Labcorp Genetics (formerly Invitae), Labcorp
Classification: Uncertain significance. Last evaluated: 2024-06-02. Review status: criteria provided, single submitter. Criteria: Invitae Variant Classification Sherloc (09022015). Collection method: clinical testing. Allele origin: germline.
Comment: This sequence change replaces arginine, which is basic and polar, with glutamine, which is neutral and polar, at codon 1950 of the CACNA1D protein (p.Arg1950Gln). This variant is present in population databases (no rsID available, gnomAD 0.0009%). This variant has not been reported in the literature in individuals affected with CACNA1D-related conditions. ClinVar contains an entry for this variant (Variation ID: 1952808). An algorithm developed to predict the effect of missense changes on protein structure and function (PolyPhen-2) suggests that this variant is likely to be disruptive. In summary, the available evidence is currently insufficient to determine the role of this variant in disease. Therefore, it has been classified as a Variant of Uncertain Significance.

NM_001128840.3(CACNA1D):c.5789G>A (p.Arg1930Gln)

Gene: CACNA1D (calcium voltage-gated channel subunit alpha1 D; plus strand). Cytogenetic location: 3p21.1.
Variant type: single nucleotide variant.
Coding change: c.5789G>A on transcript NM_001128840.3 (MANE Select); coding-DNA position 5789, G replaced by A.
Protein change: p.Arg1930Gln; replaces arginine 1930 with glutamine.
Molecular consequence: missense variant.
Genome position (GRCh38, 1-based): chr3:53,808,688, G>A. VCF-style: chr3-53808688-G-A. GRCh37 (hg19) VCF-style: chr3-53842715-G-A.
Other names: c.5849G>A, p.Arg1950Gln (NM_000720.4); c.5717G>A, p.Arg1906Gln (NM_001128839.3); short protein forms R1930Q, R1906Q, R1950Q.
Identifiers: ClinVar variation 1952808 (VCV001952808.5), dbSNP rs1390601705, ClinGen allele CA353255969.